The following is an entry in ClinVar:

ClinVar aggregate classification (germline): Pathogenic. Review status: reviewed by expert panel (3 of 4 stars). 2 submissions from 2 submitters: Pathogenic (1). 1 of the submissions does not count toward it. Last evaluated 2016-10-18.

Conditions:
Breast-ovarian cancer, familial, susceptibility to, 1 (BROVCA1). Also called: BRCA1 Hereditary Breast and Ovarian Cancer; OVARIAN CANCER, SUSCEPTIBILITY TO. Identifiers: Orphanet 145, MedGen C2676676, MONDO:0011450, OMIM 604370. Disease mechanism: loss of function.

Submissions (2):

Evidence-based Network for the Interpretation of Germline Mutant Alleles (ENIGMA)
Classification: Pathogenic for Breast-ovarian cancer, familial, susceptibility to, 1. Last evaluated: 2016-10-18. Review status: reviewed by expert panel. Criteria: ENIGMA BRCA1/2 Classification Criteria (2015). Collection method: curation. Allele origin: germline.
Comment: Variant allele predicted to encode a truncated non-functional protein.

Consortium of Investigators of Modifiers of BRCA1/2 (CIMBA), c/o University of Cambridge
Classification: Pathogenic for Breast-ovarian cancer, familial, susceptibility to, 1. Last evaluated: 2015-10-02. Review status: criteria provided, single submitter. Criteria: CIMBA Mutation Classification guidelines May 2016. Collection method: clinical testing. Allele origin: germline. Not counted in ClinVar's aggregate classification.

NM_007294.4(BRCA1):c.4162_4163del (p.Gln1388fs)

Gene: BRCA1 (BRCA1 DNA repair associated; minus strand). Cytogenetic location: 17q21.31.
Variant type: Deletion.
Coding change: c.4162_4163del on transcript NM_007294.4 (MANE Select); coding-DNA positions 4162 to 4163, 2 bases deleted (CA; older notation c.4162_4163delCA).
Protein change: p.Gln1388fs; shifts the reading frame from glutamine 1388.
Molecular consequence: frameshift variant. On other transcripts: non-coding transcript variant (1).
Genome position (GRCh38, 1-based): chr17:43,090,966-43,090,967, TG deleted on the plus strand (CA on the coding strand, the reverse complement: BRCA1 is on the minus strand). VCF-style (leftmost placement, unchanged base first): chr17-43090965-CTG-C. GRCh37 (hg19) VCF-style: chr17-41242982-CTG-C.
Other names: 4281delCA-ter1389; c.3952_3953delCA, p.Gln1318Glufs (NM_001407885.1, NM_001407886.1, NM_001407887.1 and 13 more transcripts); c.3949_3950delCA, p.Gln1317Glufs (NM_001407894.1, NM_001407895.1, NM_001407896.1 and 9 more transcripts); c.4039_4040delCA, p.Gln1347Glufs (NM_001407919.1, NM_001407937.1, NM_001407938.1 and 19 more transcripts); c.3898_3899delCA, p.Gln1300Glufs (NM_001407920.1, NM_001407921.1, NM_001407922.1 and 9 more transcripts); c.3895_3896delCA, p.Gln1299Glufs (NM_001407930.1, NM_001407931.1, NM_001407932.1 and 2 more transcripts); c.4036_4037delCA, p.Gln1346Glufs (NM_001407940.1, NM_001407941.1, NM_001407649.1 and 11 more transcripts); c.4021_4022delCA, p.Gln1341Glufs (NM_001407942.1, NM_001407944.1, NM_001407945.1 and 28 more transcripts); and 45 more; short protein forms Q1388fs, Q285fs, Q1341fs.
Identifiers: ClinVar variation 266453 (VCV000266453.7), dbSNP rs886040210, ClinGen allele CA10589684.